The following is an entry in ClinVar:

ClinVar aggregate classification (germline): Likely pathogenic (1 of 4 stars; one submission).

Submission:

Labcorp Genetics (formerly Invitae), Labcorp
Classification: Likely pathogenic. Last evaluated: 2023-04-25. Review status: criteria provided, single submitter. Criteria: Invitae Variant Classification Sherloc (09022015). Collection method: clinical testing. Allele origin: germline.
Comment: This sequence change affects an acceptor splice site in intron 14 of the SLC26A5 gene. It is expected to disrupt RNA splicing. Variants that disrupt the donor or acceptor splice site typically lead to a loss of protein function (PMID: 16199547), and loss-of-function variants in SLC26A5 are known to be pathogenic (PMID: 12239568, 24164807). This variant is not present in population databases (gnomAD no frequency). This variant has not been reported in the literature in individuals affected with SLC26A5-related conditions. In summary, the currently available evidence indicates that the variant is pathogenic, but additional data are needed to prove that conclusively. Therefore, this variant has been classified as Likely Pathogenic.

Literature cited by the submitters: PubMed 16199547; PubMed 12239568; PubMed 24164807.

NM_198999.3(SLC26A5):c.1515-1G>A

Gene: SLC26A5 (solute carrier family 26 member 5; minus strand). Cytogenetic location: 7q22.1.
Variant type: single nucleotide variant.
Coding change: c.1515-1G>A on transcript NM_198999.3 (MANE Select); the canonical splice acceptor site of the intron before coding-DNA position 1515, G replaced by A.
Molecular consequence: splice acceptor variant. On other transcripts: intron variant (2).
Genome position (GRCh38, 1-based): chr7:103,380,550, C>T on the plus strand (G>A on the coding strand, the complement: SLC26A5 is on the minus strand). VCF-style: chr7-103380550-C-T. GRCh37 (hg19) VCF-style: chr7-103020997-C-T.
Other names: c.1514+8458G>A (NM_206884.3); c.1515-1G>A (NM_206883.3); c.1419-1G>A (NM_001167962.2, NM_001321787.2); c.971+17382G>A (NM_206885.3).
Identifiers: ClinVar variation 2857928 (VCV002857928.3), dbSNP rs2485167934, ClinGen allele CA368755236.